The following is an entry in ClinVar:

NM_000744.7(CHRNA4):c.-30C>G

Genes: CHRNA4 (cholinergic receptor nicotinic alpha 4 subunit; minus strand), LOC100130587 (uncharacterized LOC100130587; plus strand). Cytogenetic location: 20q13.33.
Variant type: single nucleotide variant.
Coding change: c.-30C>G on transcript NM_000744.7 (MANE Select); 30 bases upstream of the start codon, C replaced by G.
Molecular consequence: 5 prime UTR variant. On other transcripts: non-coding transcript variant (1).
Genome position (GRCh38, 1-based): chr20:63,361,195, G>C on the plus strand (C>G on the coding strand, the complement: CHRNA4 is on the minus strand). VCF-style: chr20-63361195-G-C. GRCh37 (hg19) VCF-style: chr20-61992547-G-C.
Other names: c.-489C>G (NM_001256573.2).
Identifiers: ClinVar variation 3255233 (VCV003255233.2), dbSNP rs6090387.

ClinVar aggregate classification (germline): Benign (1 of 4 stars; one submission).

Allele frequency attached by ClinVar (database versions not stated): 1000 Genomes Project 0.58087; 1000 Genomes Project 30x 0.58838; TOPMed 0.67181; ESP Exome Variant Server 0.81313.
gnomAD v4.1: 1,080,747 of 1,453,094 alleles (74%); highest among the groups gnomAD compares: Non-Finnish European, 78%; 407,618 homozygotes.

Submission:

Unidad de Genómica Garrahan, Hospital de Pediatría Garrahan
Classification: Benign. Last evaluated: 2024-07-15. Review status: criteria provided, single submitter. Criteria: ACMG Guidelines, 2015. Collection method: clinical testing. Allele origin: germline. Affected: no. Observed: 81 variant alleles.
Comment: This variant is classified as Benign based on local population frequency. This variant was detected in 87% of patients studied in a panel designed for Epileptic and Developmental Encephalopathy and Progressive Myoclonus Epilepsy. Number of patients: 81. Only high quality variants are reported.